The following is an entry in ClinVar:

ClinVar aggregate classification (germline): Uncertain significance (1 of 4 stars; one submission).

Conditions:
Combined immunodeficiency due to DOCK8 deficiency (HIES2). Also called: HYPER-IgE SYNDROME 2, AUTOSOMAL RECESSIVE, WITH RECURRENT INFECTIONS; DOCK8 Deficiency; HIES autosomal recessive; Hyper-IgE recurrent infection syndrome, autosomal recessive; HYPER-IgE RECURRENT INFECTION SYNDROME 2, AUTOSOMAL RECESSIVE. Identifiers: Orphanet 217390, MedGen C4722305, MONDO:0009478, OMIM 243700.

gnomAD v4.1: 1 of 1,613,252 alleles (0.000062%); no homozygotes.

Submission:

Labcorp Genetics (formerly Invitae), Labcorp
Classification: Uncertain significance for Combined immunodeficiency due to DOCK8 deficiency. Last evaluated: 2024-08-05. Review status: criteria provided, single submitter. Criteria: Invitae Variant Classification Sherloc (09022015). Collection method: clinical testing. Allele origin: germline.
Comment: This sequence change falls in intron 25 of the DOCK8 gene. It does not directly change the encoded amino acid sequence of the DOCK8 protein. It affects a nucleotide within the consensus splice site. This variant is not present in population databases (gnomAD no frequency). This variant has not been reported in the literature in individuals affected with DOCK8-related conditions. Variants that disrupt the consensus splice site are a relatively common cause of aberrant splicing (PMID: 17576681, 9536098). Algorithms developed to predict the effect of sequence changes on RNA splicing suggest that this variant is not likely to affect RNA splicing. In summary, the available evidence is currently insufficient to determine the role of this variant in disease. Therefore, it has been classified as a Variant of Uncertain Significance.

Literature cited by the submitters: PubMed 17576681; PubMed 9536098.

NM_203447.4(DOCK8):c.3120+5C>T

Gene: DOCK8 (dedicator of cytokinesis 8; plus strand). Cytogenetic location: 9p24.3.
Variant type: single nucleotide variant.
Coding change: c.3120+5C>T on transcript NM_203447.4 (MANE Select); 5 bases into the intron after coding-DNA position 3120, C replaced by T.
Molecular consequence: intron variant.
Genome position (GRCh38, 1-based): chr9:396,939, C>T. VCF-style: chr9-396939-C-T. GRCh37 (hg19) VCF-style: chr9-396939-C-T.
Other names: c.2916+5C>T (NM_001193536.2); c.2820+5C>T (NM_001190458.2).
Identifiers: ClinVar variation 3639890 (VCV003639890.2).